The following is an entry in ClinVar:

ClinVar aggregate classification (germline): Uncertain significance. Review status: criteria provided, multiple submitters, no conflicts (2 of 4 stars). 3 submissions from 3 submitters: Uncertain significance (3). Last evaluated 2025-08-17.

Conditions:
Cardiovascular phenotype. Identifiers: MedGen CN230736.

Allele frequency attached by ClinVar (database versions not stated): ExAC 0.00001; gnomAD 0.00001; TOPMed 0.00002; ESP Exome Variant Server 0.00008.
gnomAD v4.1: 9 of 1,595,602 alleles (0.00056%); highest among the groups gnomAD compares: African/African-American, 0.0013%; no homozygotes.

Submissions (3):

Labcorp Genetics (formerly Invitae), Labcorp
Classification: Uncertain significance. Last evaluated: 2025-08-17. Review status: criteria provided, single submitter. Criteria: Invitae Variant Classification Sherloc (09022015). Collection method: clinical testing. Allele origin: germline.
Comment: This sequence change replaces alanine, which is neutral and non-polar, with valine, which is neutral and non-polar, at codon 1290 of the ALPK3 protein (p.Ala1290Val). The frequency data for this variant in the population databases is considered unreliable, as metrics indicate poor data quality at this position in the gnomAD database. This variant has not been reported in the literature in individuals affected with ALPK3-related conditions. ClinVar contains an entry for this variant (Variation ID: 1312693). An algorithm developed to predict the effect of missense changes on protein structure and function (PolyPhen-2) suggests that this variant is likely to be tolerated. In summary, the available evidence is currently insufficient to determine the role of this variant in disease. Therefore, it has been classified as a Variant of Uncertain Significance.

Ambry Genetics
Classification: Uncertain significance for Cardiovascular phenotype. Last evaluated: 2023-11-29. Review status: criteria provided, single submitter. Criteria: Ambry Variant Classification Scheme 2023. Collection method: clinical testing. Allele origin: germline.
Comment: The p.A1290V variant (also known as c.3869C>T), located in coding exon 6 of the ALPK3 gene, results from a C to T substitution at nucleotide position 3869. The alanine at codon 1290 is replaced by valine, an amino acid with similar properties. This amino acid position is conserved. In addition, this alteration is predicted to be tolerated by in silico analysis. Since supporting evidence is limited at this time, the clinical significance of this alteration remains unclear.

GeneDx
Classification: Uncertain significance. Last evaluated: 2020-02-04. Review status: criteria provided, single submitter. Criteria: GeneDx Variant Classification Process June 2021. Collection method: clinical testing. Allele origin: germline. Affected: yes.
Comment: Not observed at a significant frequency in large population cohorts (Lek et al., 2016); In silico analysis supports that this missense variant does not alter protein structure/function; Has not been previously published as pathogenic or benign to our knowledge

NM_020778.5(ALPK3):c.3263C>T (p.Ala1088Val)

Gene: ALPK3 (alpha kinase 3; plus strand). Cytogenetic location: 15q25.3.
Variant type: single nucleotide variant.
Coding change: c.3263C>T on transcript NM_020778.5 (MANE Select); coding-DNA position 3263, C replaced by T.
Protein change: p.Ala1088Val; replaces alanine 1088 with valine.
Molecular consequence: missense variant.
Genome position (GRCh38, 1-based): chr15:84,858,001, C>T. VCF-style: chr15-84858001-C-T. GRCh37 (hg19) VCF-style: chr15-85401232-C-T.
Other names: short protein forms A1088V.
Identifiers: ClinVar variation 1312693 (VCV001312693.4), dbSNP rs370119129, ClinGen allele CA7709588.